The following is an entry in ClinVar:

ClinVar aggregate classification (germline): Uncertain significance. Review status: criteria provided, multiple submitters, no conflicts (2 of 4 stars). 5 submissions from 5 submitters: Uncertain significance (5). Last evaluated 2025-01-01.

Conditions:
Glycogen storage disease IXb (GSD9B). Also called: GLYCOGENOSIS OF LIVER AND MUSCLE, AUTOSOMAL RECESSIVE; GSD IXb; PHOSPHORYLASE KINASE DEFICIENCY OF LIVER AND MUSCLE, AUTOSOMAL RECESSIVE. Identifiers: Orphanet 79240, MedGen C0543514, MONDO:0009868, OMIM 261750.
Inborn genetic diseases. Identifiers: MedGen C0950123, MeSH D030342.

Allele frequency attached by ClinVar (database versions not stated): ExAC 0.00022; gnomAD exomes 0.00024; gnomAD 0.00029; TOPMed 0.00030; ESP Exome Variant Server 0.00038; 1000 Genomes Project 0.00040; 1000 Genomes Project 30x 0.00047.
gnomAD v4.1: 549 of 1,613,026 alleles (0.034%); highest among the groups gnomAD compares: Non-Finnish European, 0.038%; 2 homozygotes.

Submissions (5):

CeGaT Center for Human Genetics Tuebingen
Classification: Uncertain significance. Last evaluated: 2025-01-01. Review status: criteria provided, single submitter. Criteria: CeGaT Center For Human Genetics Tuebingen Variant Classification Criteria Version 2. Collection method: clinical testing. Allele origin: germline. Affected: yes. Observed: 1 variant allele.

Labcorp Genetics (formerly Invitae), Labcorp
Classification: Uncertain significance for Glycogen storage disease IXb. Last evaluated: 2024-12-07. Review status: criteria provided, single submitter. Criteria: Invitae Variant Classification Sherloc (09022015). Collection method: clinical testing. Allele origin: germline.
Comment: This sequence change replaces asparagine, which is neutral and polar, with serine, which is neutral and polar, at codon 544 of the PHKB protein (p.Asn544Ser). This variant is present in population databases (rs139383341, gnomAD 0.2%). This missense change has been observed in individual(s) with clinical features of glycogen storage disease (PMID: 38374194). ClinVar contains an entry for this variant (Variation ID: 884922). An algorithm developed to predict the effect of missense changes on protein structure and function (PolyPhen-2) suggests that this variant is likely to be disruptive. In summary, the available evidence is currently insufficient to determine the role of this variant in disease. Therefore, it has been classified as a Variant of Uncertain Significance.

GeneDx
Classification: Uncertain significance. Last evaluated: 2023-01-17. Review status: criteria provided, single submitter. Criteria: GeneDx Variant Classification Process June 2021. Collection method: clinical testing. Allele origin: germline. Affected: yes.
Comment: In silico analysis supports that this missense variant has a deleterious effect on protein structure/function; Has not been previously published as pathogenic or benign to our knowledge

Ambry Genetics
Classification: Uncertain significance for Inborn genetic diseases. Last evaluated: 2021-08-10. Review status: criteria provided, single submitter. Criteria: Ambry Variant Classification Scheme 2023. Collection method: clinical testing. Allele origin: germline.

Illumina Laboratory Services, Illumina
Classification: Uncertain significance for Glycogen storage disease IXb. Last evaluated: 2018-01-13. Review status: criteria provided, single submitter. Criteria: ICSL Variant Classification Criteria 13 December 2019. Collection method: clinical testing. Allele origin: germline.

Literature cited by the submitters: PubMed 38374194 (cited by Labcorp Genetics (formerly Invitae), Labcorp).

NM_000293.3(PHKB):c.1631A>G (p.Asn544Ser)

Gene: PHKB (phosphorylase kinase regulatory subunit beta; plus strand). Cytogenetic location: 16q12.1.
Variant type: single nucleotide variant.
Coding change: c.1631A>G on transcript NM_000293.3 (MANE Select); coding-DNA position 1631, A replaced by G.
Protein change: p.Asn544Ser; replaces asparagine 544 with serine.
Molecular consequence: missense variant.
Genome position (GRCh38, 1-based): chr16:47,648,555, A>G. VCF-style: chr16-47648555-A-G. GRCh37 (hg19) VCF-style: chr16-47682466-A-G.
Other names: c.1610A>G, p.Asn537Ser (NM_001031835.3); c.1631A>G, p.Asn544Ser (NM_001363837.1); short protein forms N537S, N544S.
Identifiers: ClinVar variation 884922 (VCV000884922.22), dbSNP rs139383341, ClinGen allele CA8040911.